The following is an entry in ClinVar:

NM_004973.4(JARID2):c.1096A>G (p.Lys366Glu)

Gene: JARID2 (jumonji and AT-rich interaction domain containing 2; plus strand). Cytogenetic location: 6p22.3.
Variant type: single nucleotide variant.
Coding change: c.1096A>G on transcript NM_004973.4 (MANE Select); coding-DNA position 1096, A replaced by G.
Protein change: p.Lys366Glu; replaces lysine 366 with glutamic acid.
Molecular consequence: missense variant.
Genome position (GRCh38, 1-based): chr6:15,496,321, A>G. VCF-style: chr6-15496321-A-G. GRCh37 (hg19) VCF-style: chr6-15496552-A-G.
Other names: c.580A>G, p.Lys194Glu (NM_001267040.1); short protein forms K194E, K366E.
Identifiers: ClinVar variation 3287164 (VCV003287164.2).

ClinVar aggregate classification (germline): Uncertain significance. Review status: criteria provided, multiple submitters, no conflicts (2 of 4 stars). 2 submissions from 2 submitters: Uncertain significance (2). Last evaluated 2025-03-17.

Conditions:
Inborn genetic diseases. Identifiers: MedGen C0950123, MeSH D030342.

gnomAD v4.1: 1 of 1,614,198 alleles (0.000062%); highest among the groups gnomAD compares: Middle Eastern, 0.016%; no homozygotes.

Submissions (2):

Women's Health and Genetics/Laboratory Corporation of America, LabCorp
Classification: Uncertain significance. Last evaluated: 2025-03-17. Review status: criteria provided, single submitter. Criteria: LabCorp Variant Classification Summary - May 2015. Collection method: clinical testing. Allele origin: germline.
Comment: Variant summary: JARID2 c.1096A>G (p.Lys366Glu) results in a conservative amino acid change in the encoded protein sequence. Four of five in-silico tools predict a benign effect of the variant on protein function. The variant was absent in 251472 control chromosomes. The available data on variant occurrences in the general population are insufficient to allow any conclusion about variant significance. To our knowledge, no occurrence of c.1096A>G in individuals affected with Developmental Delay With Variable Intellectual Disability And Dysmorphic Facies and no experimental evidence demonstrating its impact on protein function have been reported. ClinVar contains an entry for this variant (Variation ID: 3287164). Based on the evidence outlined above, the variant was classified as uncertain significance.

Ambry Genetics
Classification: Uncertain significance for Inborn genetic diseases. Last evaluated: 2024-06-04. Review status: criteria provided, single submitter. Criteria: Ambry Variant Classification Scheme 2023. Collection method: clinical testing. Allele origin: germline.